The following is an entry in ClinVar:

ClinVar aggregate classification (germline): Uncertain significance (1 of 4 stars; one submission).

Conditions:
Arrhythmogenic cardiomyopathy with wooly hair and keratoderma. Also called: Carvajal syndrome; Dilated cardiomyopathy with woolly hair and keratoderma; Arrhythmogenic cardiomyopathy with woolly hair and keratoderma; PALMOPLANTAR KERATODERMA WITH LEFT VENTRICULAR CARDIOMYOPATHY AND WOOLLY HAIR. Identifiers: Orphanet 65282, MedGen C1854063, MONDO:0011581, OMIM 605676.
Arrhythmogenic right ventricular dysplasia 8 (ARVD8). Also called: ARRHYTHMOGENIC RIGHT VENTRICULAR DYSPLASIA, FAMILIAL, 8; ARRHYTHMOGENIC RIGHT VENTRICULAR CARDIOMYOPATHY 8; Arrhythmogenic Right Ventricular Dysplasia/Cardiomyopathy 8. Identifiers: MedGen C1843896, MONDO:0011831, OMIM 607450.

Allele frequency attached by ClinVar (database versions not stated): gnomAD exomes below 0.00001.

Submission:

Labcorp Genetics (formerly Invitae), Labcorp
Classification: Uncertain significance for Arrhythmogenic cardiomyopathy with wooly hair and keratoderma; Arrhythmogenic right ventricular dysplasia 8. Last evaluated: 2022-08-25. Review status: criteria provided, single submitter. Criteria: Invitae Variant Classification Sherloc (09022015). Collection method: clinical testing. Allele origin: germline.
Comment: This variant is not present in population databases (gnomAD no frequency). In summary, the available evidence is currently insufficient to determine the role of this variant in disease. Therefore, it has been classified as a Variant of Uncertain Significance. Algorithms developed to predict the effect of missense changes on protein structure and function are either unavailable or do not agree on the potential impact of this missense change (SIFT: "Deleterious"; PolyPhen-2: "Probably Damaging"; Align-GVGD: "Class C0"). This variant has not been reported in the literature in individuals affected with DSP-related conditions. This sequence change replaces threonine, which is neutral and polar, with serine, which is neutral and polar, at codon 353 of the DSP protein (p.Thr353Ser).

NM_004415.4(DSP):c.1058C>G (p.Thr353Ser)

Gene: DSP (desmoplakin; plus strand). Cytogenetic location: 6p24.3.
Variant type: single nucleotide variant.
Coding change: c.1058C>G on transcript NM_004415.4 (MANE Select); coding-DNA position 1058, C replaced by G.
Protein change: p.Thr353Ser; replaces threonine 353 with serine.
Molecular consequence: missense variant.
Genome position (GRCh38, 1-based): chr6:7,567,367, C>G. VCF-style: chr6-7567367-C-G. GRCh37 (hg19) VCF-style: chr6-7567600-C-G.
Other names: c.1058C>G, p.Thr353Ser (NM_001008844.3, NM_001319034.2, NM_001406591.1); short protein forms T353S.
Identifiers: ClinVar variation 1718022 (VCV001718022.5), dbSNP rs2533879594, ClinGen allele CA362675498.